The following is an entry in ClinVar:

NM_018109.4(MTPAP):c.1478G>C (p.Ser493Thr)

Gene: MTPAP (mitochondrial poly(A) polymerase; minus strand). Cytogenetic location: 10p11.23.
Variant type: single nucleotide variant.
Coding change: c.1478G>C on transcript NM_018109.4 (MANE Select); coding-DNA position 1478, G replaced by C.
Protein change: p.Ser493Thr; replaces serine 493 with threonine.
Molecular consequence: missense variant.
Genome position (GRCh38, 1-based): chr10:30,313,880, C>G on the plus strand (G>C on the coding strand, the complement: MTPAP is on the minus strand). VCF-style: chr10-30313880-C-G. GRCh37 (hg19) VCF-style: chr10-30602809-C-G.
Other names: short protein forms S493T.
Identifiers: ClinVar variation 1963881 (VCV001963881.6), dbSNP rs1388559021, ClinGen allele CA376434681.

ClinVar aggregate classification (germline): Uncertain significance. Review status: criteria provided, multiple submitters, no conflicts (2 of 4 stars). 2 submissions from 2 submitters: Uncertain significance (2). Last evaluated 2022-06-17.

Conditions:
Inborn genetic diseases. Identifiers: MedGen C0950123, MeSH D030342.

Allele frequency attached by ClinVar (database versions not stated): TOPMed below 0.00001.
gnomAD v4.1: 20 of 1,614,114 alleles (0.0012%); highest among the groups gnomAD compares: Admixed American, 0.01%; no homozygotes.

Submissions (2):

Labcorp Genetics (formerly Invitae), Labcorp
Classification: Uncertain significance. Last evaluated: 2022-06-17. Review status: criteria provided, single submitter. Criteria: Invitae Variant Classification Sherloc (09022015). Collection method: clinical testing. Allele origin: germline.
Comment: In summary, the available evidence is currently insufficient to determine the role of this variant in disease. Therefore, it has been classified as a Variant of Uncertain Significance. Algorithms developed to predict the effect of missense changes on protein structure and function (SIFT, PolyPhen-2, Align-GVGD) all suggest that this variant is likely to be tolerated. This variant has not been reported in the literature in individuals affected with MTPAP-related conditions. This variant is present in population databases (no rsID available, gnomAD 0.01%). This sequence change replaces serine, which is neutral and polar, with threonine, which is neutral and polar, at codon 493 of the MTPAP protein (p.Ser493Thr).

Ambry Genetics
Classification: Uncertain significance for Inborn genetic diseases. Last evaluated: 2022-04-22. Review status: criteria provided, single submitter. Criteria: Ambry Variant Classification Scheme 2023. Collection method: clinical testing. Allele origin: germline.